The following is an entry in ClinVar:

NM_001393769.1(MED12L):c.2251-55832G>A

Genes: GPR87 (G protein-coupled receptor 87; minus strand), MED12L (mediator complex subunit 12L; plus strand). Cytogenetic location: 3q25.1.
Variant type: single nucleotide variant.
Coding change: c.2251-55832G>A on transcript NM_001393769.1 (MANE Select); 55832 bases into the intron before coding-DNA position 2251, G replaced by A.
Molecular consequence: intron variant. On other transcripts: missense variant (1).
Genome position (GRCh38, 1-based): chr3:151,294,227, G>A. VCF-style: chr3-151294227-G-A. GRCh37 (hg19) VCF-style: chr3-151012015-G-A.
Other names: c.1019C>T, p.Ser340Leu (NM_023915.4); c.2146-55832G>A (NM_053002.6); short protein forms S340L.
Identifiers: ClinVar variation 4527252 (VCV004527252.1).

ClinVar aggregate classification (germline): Uncertain significance (1 of 4 stars; one submission).

gnomAD v4.1: 2 of 1,613,430 alleles (0.00012%); highest among the groups gnomAD compares: Non-Finnish European, 0.00017%; no homozygotes.

Submission:

GeneDx
Classification: Uncertain significance. Last evaluated: 2025-04-17. Review status: criteria provided, single submitter. Criteria: GeneDx Variant Classification Process June 2021. Collection method: clinical testing. Allele origin: germline. Affected: yes.
Comment: Not observed at significant frequency in large population cohorts (gnomAD); In silico analysis supports a deleterious effect on splicing; Has not been previously published as pathogenic or benign to our knowledge; Variants in candidate genes are classified as variants of uncertain significance in accordance with ACMG guidelines (PMID: 25741868)